The following is an entry in ClinVar:

NM_004208.4(AIFM1):c.341C>T (p.Ala114Val)

Genes: AIFM1 (apoptosis inducing factor mitochondria associated 1; minus strand), RAB33A (RAB33A, member RAS oncogene family; plus strand). Cytogenetic location: Xq26.1.
Variant type: single nucleotide variant.
Coding change: c.341C>T on transcript NM_004208.4 (MANE Select); coding-DNA position 341, C replaced by T.
Protein change: p.Ala114Val; replaces alanine 114 with valine.
Molecular consequence: missense variant. On other transcripts: non-coding transcript variant (1).
Genome position (GRCh38, 1-based): chrX:130,149,477, G>A on the plus strand (C>T on the coding strand, the complement: AIFM1 is on the minus strand). VCF-style: chrX-130149477-G-A. GRCh37 (hg19) VCF-style: chrX-129283452-G-A.
Other names: c.341C>T, p.Ala114Val (NM_001130847.4); c.329C>T, p.Ala110Val (NM_145812.3); short protein forms A110V, A114V.
Identifiers: ClinVar variation 639720 (VCV000639720.15), dbSNP rs138662844, ClinGen allele CA10515468.

ClinVar aggregate classification (germline): Benign/Likely benign. Review status: criteria provided, multiple submitters, no conflicts (2 of 4 stars). 4 submissions from 4 submitters: Benign (1); Likely benign (3). Last evaluated 2025-12-30.

Conditions:
AIFM1-related disorder. Also called: AIFM1-related condition.
Inborn genetic diseases. Identifiers: MedGen C0950123, MeSH D030342.
Combined oxidative phosphorylation deficiency. Identifiers: MedGen C4540031, MONDO:0000732.
Charcot-Marie-Tooth Neuropathy X. Identifiers: MedGen CN118851.

Allele frequency attached by ClinVar (database versions not stated): gnomAD exomes 0.00004 and 0.00010; ExAC 0.00011; gnomAD 0.00022 and 0.00025; ESP Exome Variant Server 0.00028; TOPMed 0.00043.
gnomAD v4.1: 67 of 1,204,315 alleles (0.0056%); highest among the groups gnomAD compares: African/African-American, 0.081%; no homozygotes.

Submissions (4):

Labcorp Genetics (formerly Invitae), Labcorp
Classification: Benign for Charcot-Marie-Tooth Neuropathy X; Combined oxidative phosphorylation deficiency. Last evaluated: 2025-12-30. Review status: criteria provided, single submitter. Criteria: Invitae Variant Classification Sherloc (09022015). Collection method: clinical testing. Allele origin: germline.

PreventionGenetics, part of Exact Sciences
Classification: Likely benign for AIFM1-related condition. Last evaluated: 2025-01-06. Review status: criteria provided, single submitter. Criteria: ACMG Guidelines, 2015. Collection method: clinical testing. Allele origin: germline.
Comment: This variant is classified as likely benign based on ACMG/AMP sequence variant interpretation guidelines (Richards et al. 2015 PMID: 25741868, with internal and published modifications).

Ambry Genetics
Classification: Likely benign for Inborn genetic diseases. Last evaluated: 2023-05-10. Review status: criteria provided, single submitter. Criteria: Ambry Variant Classification Scheme 2023. Collection method: clinical testing. Allele origin: germline.

GeneDx
Classification: Likely benign. Last evaluated: 2021-03-23. Review status: criteria provided, single submitter. Criteria: GeneDx Variant Classification Process June 2021. Collection method: clinical testing. Allele origin: germline. Affected: yes.
Comment: This variant is associated with the following publications: (PMID: 32376792)